The following is an entry in ClinVar:

ClinVar aggregate classification (germline): Uncertain significance (1 of 4 stars; one submission).

Conditions:
Costello syndrome (CSTLO). Also called: FCS SYNDROME; FACIOCUTANEOSKELETAL SYNDROME; HRAS-Related Costello Syndrome. Identifiers: Orphanet 3071, MedGen C0587248, MONDO:0009026, OMIM 218040.

Allele frequency attached by ClinVar (database versions not stated): gnomAD exomes below 0.00001.
gnomAD v4.1: 1 of 1,613,508 alleles (0.000062%); highest among the groups gnomAD compares: Admixed American, 0.0017%; no homozygotes.

Submission:

Labcorp Genetics (formerly Invitae), Labcorp
Classification: Uncertain significance for Costello syndrome. Last evaluated: 2020-12-03. Review status: criteria provided, single submitter. Criteria: Invitae Variant Classification Sherloc (09022015). Collection method: clinical testing. Allele origin: germline.
Comment: In summary, the available evidence is currently insufficient to determine the role of this variant in disease. Therefore, it has been classified as a Variant of Uncertain Significance. Advanced modeling of protein sequence and biophysical properties (such as structural, functional, and spatial information, amino acid conservation, physicochemical variation, residue mobility, and thermodynamic stability) performed at Invitae indicates that this missense variant is expected to disrupt HRAS protein function. This variant has not been reported in the literature in individuals with HRAS-related conditions. This variant is not present in population databases (ExAC no frequency). This sequence change replaces glutamic acid with aspartic acid at codon 143 of the HRAS protein (p.Glu143Asp). The glutamic acid residue is highly conserved and there is a small physicochemical difference between glutamic acid and aspartic acid.

NM_005343.4(HRAS):c.429G>C (p.Glu143Asp)

Genes: HRAS (HRas proto-oncogene, GTPase; minus strand), LRRC56 (leucine rich repeat containing 56; plus strand). Cytogenetic location: 11p15.5.
Variant type: single nucleotide variant.
Coding change: c.429G>C on transcript NM_005343.4 (MANE Select); coding-DNA position 429, G replaced by C.
Protein change: p.Glu143Asp; replaces glutamic acid 143 with aspartic acid.
Molecular consequence: missense variant.
Genome position (GRCh38, 1-based): chr11:533,474, C>G on the plus strand (G>C on the coding strand, the complement: HRAS is on the minus strand). VCF-style: chr11-533474-C-G. GRCh37 (hg19) VCF-style: chr11-533474-C-G.
Other names: c.429G>C, p.Glu143Asp (NM_001130442.3, NM_176795.5); c.110G>C, p.Arg37Thr (NM_001318054.2); short protein forms R37T, E143D.
Identifiers: ClinVar variation 1505329 (VCV001505329.8), dbSNP rs1226399807, ClinGen allele CA378922842.